The following is an entry in ClinVar:

ClinVar aggregate classification (germline): Likely benign. Review status: criteria provided, multiple submitters, no conflicts (2 of 4 stars). 2 submissions from 2 submitters: Likely benign (2). Last evaluated 2023-10-19.

Conditions:
Spermatogenic failure 18. Identifiers: MedGen C4539783, MONDO:0054615, OMIM 617576.
Ciliary dyskinesia, primary, 37 (CILD37). Also called: CILIARY DYSKINESIA, PRIMARY, 37, WITH OR WITHOUT SITUS INVERSUS. Identifiers: MedGen C4539798, MONDO:0033204, OMIM 617577.

Allele frequency attached by ClinVar (database versions not stated): gnomAD 0.00001; gnomAD exomes 0.00001; TOPMed 0.00001; ExAC 0.00002; ESP Exome Variant Server 0.00008.
gnomAD v4.1: 17 of 1,613,874 alleles (0.0011%); highest among the groups gnomAD compares: African/African-American, 0.004%; no homozygotes.

Submissions (2):

Labcorp Genetics (formerly Invitae), Labcorp
Classification: Likely benign for Ciliary dyskinesia, primary, 37; Spermatogenic failure 18. Last evaluated: 2023-10-19. Review status: criteria provided, single submitter. Criteria: Invitae Variant Classification Sherloc (09022015). Collection method: clinical testing. Allele origin: germline.

CeGaT Center for Human Genetics Tuebingen
Classification: Likely benign. Last evaluated: 2022-12-01. Review status: criteria provided, single submitter. Criteria: CeGaT Center For Human Genetics Tuebingen Variant Classification Criteria Version 2. Collection method: clinical testing. Allele origin: germline. Affected: yes. Observed: 1 variant allele.
Comment: DNAH1: BP4, BP7

NM_015512.5(DNAH1):c.3570G>A (p.Pro1190=)

Gene: DNAH1 (dynein axonemal heavy chain 1; plus strand). Cytogenetic location: 3p21.1.
Variant type: single nucleotide variant.
Coding change: c.3570G>A on transcript NM_015512.5 (MANE Select); coding-DNA position 3570, G replaced by A.
Protein change: p.Pro1190=; no amino-acid change (proline 1190 retained).
Molecular consequence: synonymous variant.
Genome position (GRCh38, 1-based): chr3:52,354,932, G>A. VCF-style: chr3-52354932-G-A. GRCh37 (hg19) VCF-style: chr3-52388948-G-A.
Identifiers: ClinVar variation 2653880 (VCV002653880.27), dbSNP rs373138179, ClinGen allele CA2433612.